The following is an entry in ClinVar:

NM_020937.4(FANCM):c.4119C>A (p.Phe1373Leu)

Gene: FANCM (FA complementation group M; plus strand). Cytogenetic location: 14q21.2.
Variant type: single nucleotide variant.
Coding change: c.4119C>A on transcript NM_020937.4 (MANE Select); coding-DNA position 4119, C replaced by A.
Protein change: p.Phe1373Leu; replaces phenylalanine 1373 with leucine.
Molecular consequence: missense variant.
Genome position (GRCh38, 1-based): chr14:45,176,873, C>A. VCF-style: chr14-45176873-C-A. GRCh37 (hg19) VCF-style: chr14-45646076-C-A.
Other names: c.4041C>A, p.Phe1347Leu (NM_001308133.2); short protein forms F1347L, F1373L.
Identifiers: ClinVar variation 2446688 (VCV002446688.4), dbSNP rs1247124091, ClinGen allele CA389604389.

ClinVar aggregate classification (germline): Uncertain significance. Review status: criteria provided, multiple submitters, no conflicts (2 of 4 stars). 3 submissions from 3 submitters: Uncertain significance (3). Last evaluated 2025-05-19.

Conditions:
Inborn genetic diseases. Identifiers: MedGen C0950123, MeSH D030342.
Fanconi anemia (FA). Also called: Fanconi's anemia. Identifiers: Orphanet 84, MedGen C0015625, MeSH D005199, MONDO:0019391.

Allele frequency attached by ClinVar (database versions not stated): gnomAD 0.00001.
gnomAD v4.1: 1 of 1,609,292 alleles (0.000062%); highest among the groups gnomAD compares: Admixed American, 0.0017%; no homozygotes.

Submissions (3):

Ambry Genetics
Classification: Uncertain significance for Inborn genetic diseases. Last evaluated: 2025-05-19. Review status: criteria provided, single submitter. Criteria: Ambry Variant Classification Scheme 2023. Collection method: clinical testing. Allele origin: germline.
Comment: The p.F1373L variant (also known as c.4119C>A), located in coding exon 14 of the FANCM gene, results from a C to A substitution at nucleotide position 4119. The phenylalanine at codon 1373 is replaced by leucine, an amino acid with highly similar properties. This amino acid position is conserved. In addition, this alteration is predicted to be tolerated by in silico analysis. Based on the available evidence, the clinical significance of this variant remains unclear.

Labcorp Genetics (formerly Invitae), Labcorp
Classification: Uncertain significance for Fanconi anemia. Last evaluated: 2024-10-21. Review status: criteria provided, single submitter. Criteria: Invitae Variant Classification Sherloc (09022015). Collection method: clinical testing. Allele origin: germline.
Comment: This sequence change replaces phenylalanine, which is neutral and non-polar, with leucine, which is neutral and non-polar, at codon 1373 of the FANCM protein (p.Phe1373Leu). This variant is present in population databases (no rsID available, gnomAD no frequency). This variant has not been reported in the literature in individuals affected with FANCM-related conditions. ClinVar contains an entry for this variant (Variation ID: 2446688). An algorithm developed to predict the effect of missense changes on protein structure and function outputs the following: PolyPhen-2: "Benign". The leucine amino acid residue is found in multiple mammalian species, which suggests that this missense change does not adversely affect protein function. In summary, the available evidence is currently insufficient to determine the role of this variant in disease. Therefore, it has been classified as a Variant of Uncertain Significance.

GeneDx
Classification: Uncertain significance. Last evaluated: 2022-10-03. Review status: criteria provided, single submitter. Criteria: GeneDx Variant Classification Process June 2021. Collection method: clinical testing. Allele origin: germline. Affected: yes.
Comment: Not observed at significant frequency in large population cohorts (gnomAD); In silico analysis supports that this missense variant does not alter protein structure/function; Has not been previously published as pathogenic or benign to our knowledge